The following is an entry in ClinVar:

NM_012144.4(DNAI1):c.463del (p.Thr155fs)

Gene: DNAI1 (dynein axonemal intermediate chain 1; plus strand). Cytogenetic location: 9p13.3.
Variant type: Deletion.
Coding change: c.463del on transcript NM_012144.4 (MANE Select); coding-DNA position 463, one base deleted (A; older notation c.463delA).
Protein change: p.Thr155fs; shifts the reading frame from threonine 155.
Molecular consequence: frameshift variant.
Genome position (GRCh38, 1-based): chr9:34,490,086, A deleted; the last of 3 consecutive A bases (chr9:34,490,084-34,490,086); deleting any one gives the same sequence. VCF-style (leftmost placement, unchanged base first): chr9-34490083-GA-G. GRCh37 (hg19) VCF-style: chr9-34490081-GA-G.
Other names: c.475del, p.Thr159fs (NM_001281428.2); short protein forms T155fs, T159fs.
Identifiers: ClinVar variation 5012409 (VCV005012409.1).
Genomic context (GRCh38, chr9:34,490,083, plus strand): 5'-TCTGTCAAGGTGATTTCAGAAACAGGAAACCTCGAAGAAGACGAAGAGCCCAAGGAGTTA[GA>G]AACTGAGCCTGGGAGTCAAACAGATGTGCCTGCAGCTGGGGTACAGTATAATATCGCTCT-3'

ClinVar aggregate classification (germline): Pathogenic (1 of 4 stars; one submission).

Conditions:
Kartagener syndrome (CILD1). Also called: CILIARY DYSKINESIA, PRIMARY, 1; CILIARY DYSKINESIA, PRIMARY, 1, WITH OR WITHOUT SITUS INVERSUS; IMMOTILE CILIA SYNDROME; POLYNESIAN BRONCHIECTASIS; Dextrocardia bronchiectasis and sinusitis; SIEWERT SYNDROME. Identifiers: Orphanet 244, MedGen C4551906, MONDO:0009484, OMIM 244400.

Submission:

Myriad Genetics, Inc.
Classification: Pathogenic for Kartagener syndrome. Last evaluated: 2024-05-14. Review status: criteria provided, single submitter. Criteria: Myriad Autosomal Dominant, Autosomal Recessive and X-Linked Classification Criteria (2023). Collection method: clinical testing. Allele origin: unknown.
Comment: NM_012144.2(DNAI1):c.463delA(T155Lfs*18) is expected to be pathogenic in the context of primary ciliary dyskinesia, DNAI1-related. This variant is predicted to lead to an abnormal or absent protein product due to the creation of a premature termination codon in DNAI1, a gene where loss-of-function variants are known to be pathogenic. Please note: this variant was assessed in the context of healthy population screening.